The following is an entry in ClinVar:

NM_000388.4(CASR):c.1081C>T (p.Gln361Ter)

Gene: CASR (calcium sensing receptor; plus strand). Cytogenetic location: 3q21.1.
Variant type: single nucleotide variant.
Coding change: c.1081C>T on transcript NM_000388.4 (MANE Select); coding-DNA position 1081, C replaced by T.
Protein change: p.Gln361Ter; replaces glutamine 361 with a stop codon.
Molecular consequence: nonsense.
Genome position (GRCh38, 1-based): chr3:122,262,116, C>T. VCF-style: chr3-122262116-C-T. GRCh37 (hg19) VCF-style: chr3-121980963-C-T.
Other names: c.1081C>T, p.Gln361Ter (NM_001178065.2); short protein forms Q361*.
Identifiers: ClinVar variation 1070118 (VCV001070118.7), dbSNP rs2107632860, ClinGen allele CA354152549.

ClinVar aggregate classification (germline): Pathogenic (1 of 4 stars; one submission).

Conditions:
Familial hypocalciuric hypercalcemia (FHH). Also called: Familial benign hypercalcemia. Identifiers: Orphanet 405, MedGen C1809471, MONDO:0018458.
Autosomal dominant hypocalcemia 1 (HYPOC1). Also called: HYPOCALCEMIA, FAMILIAL. Identifiers: MedGen C3715128, MONDO:0011013, OMIM 601198.

Submission:

Labcorp Genetics (formerly Invitae), Labcorp
Classification: Pathogenic for Familial hypocalciuric hypercalcemia; Autosomal dominant hypocalcemia 1. Last evaluated: 2020-09-23. Review status: criteria provided, single submitter. Criteria: Invitae Variant Classification Sherloc (09022015). Collection method: clinical testing. Allele origin: germline.
Comment: For these reasons, this variant has been classified as Pathogenic. Loss-of-function variants in CASR are known to be pathogenic (PMID: 22422767). This variant has not been reported in the literature in individuals with CASR-related conditions. This variant is not present in population databases (ExAC no frequency). This sequence change creates a premature translational stop signal (p.Gln361*) in the CASR gene. It is expected to result in an absent or disrupted protein product.

Literature cited by the submitters: PubMed 22422767.